The following is an entry in ClinVar:

ClinVar aggregate classification (germline): Uncertain significance (1 of 4 stars; one submission).

Conditions:
Cystic fibrosis (CF). Also called: MUCOVISCIDOSIS. Identifiers: Orphanet 586, MedGen C0010674, MONDO:0009061, OMIM 219700. Disease mechanism: loss of function.

Submission:

Johns Hopkins Genomics, Johns Hopkins University
Classification: Uncertain significance for Cystic fibrosis. Last evaluated: 2023-12-01. Review status: criteria provided, single submitter. Criteria: ACMG Guidelines, 2015. Collection method: clinical testing. Allele origin: germline.
Comment: This CFTR intronic variant is absent from large population dataset and has not been reported in ClinVar nor the literature, to our knowledge. Bioinformatic analysis predicts that this intronic variant may create a weak cryptic acceptor splice site and lead to CFTR missplicing, although this has not been confirmed experimentally to our knowledge. Due to this lack of functional data, we consider the clinical significance of CFTR c.1584+6457A>C to be uncertain at this time.

NM_000492.4(CFTR):c.1584+6457A>C

Gene: CFTR (CF transmembrane conductance regulator; plus strand). Cytogenetic location: 7q31.2.
Variant type: single nucleotide variant.
Coding change: c.1584+6457A>C on transcript NM_000492.4 (MANE Select); 6457 bases into the intron after coding-DNA position 1584, A replaced by C.
Molecular consequence: intron variant.
Genome position (GRCh38, 1-based): chr7:117,566,112, A>C. VCF-style: chr7-117566112-A-C. GRCh37 (hg19) VCF-style: chr7-117206166-A-C.
Identifiers: ClinVar variation 2690899 (VCV002690899.1), dbSNP rs181339865, ClinGen allele CA2697557571.